The following is an entry in ClinVar:

NM_017827.4(SARS2):c.394-28G>A

Gene: SARS2 (seryl-tRNA synthetase 2, mitochondrial; minus strand). Cytogenetic location: 19q13.2.
Variant type: single nucleotide variant.
Coding change: c.394-28G>A on transcript NM_017827.4 (MANE Select); 28 bases into the intron before coding-DNA position 394, G replaced by A.
Molecular consequence: intron variant.
Genome position (GRCh38, 1-based): chr19:38,921,695, C>T on the plus strand (G>A on the coding strand, the complement: SARS2 is on the minus strand). VCF-style: chr19-38921695-C-T. GRCh37 (hg19) VCF-style: chr19-39412335-C-T.
Other names: c.471-99G>A (NM_001145901.2).
Identifiers: ClinVar variation 5018971 (VCV005018971.2).

ClinVar aggregate classification (germline): Uncertain significance (1 of 4 stars; one submission).

Conditions:
Hyperuricemia, pulmonary hypertension, renal failure, alkalosis syndrome (HUPRAS). Also called: HYPERURICEMIA, PULMONARY HYPERTENSION, RENAL FAILURE, AND ALKALOSIS SYNDROME; HUPRA SYNDROME. Identifiers: Orphanet 363694, MedGen C3151209, MONDO:0013458, OMIM 613845.

gnomAD v4.1: 86 of 1,613,174 alleles (0.0053%); highest among the groups gnomAD compares: East Asian, 0.085%; no homozygotes.

Submission:

Juno Genomics, Hangzhou Juno Genomics, Inc
Classification: Uncertain significance for Hyperuricemia, pulmonary hypertension, renal failure, alkalosis syndrome. Review status: criteria provided, single submitter. Criteria: ACMG Guidelines, 2015. Collection method: clinical testing. Allele origin: germline.
Comment: Absent from controls (or at extremely low frequency if recessive) in Genome Aggregation Database.;Multiple lines of computational evidence support a deleterious effect on the gene or gene product.